The following is an entry in ClinVar:

NM_000243.3(MEFV):c.663G>C (p.Pro221=)

Gene: MEFV (MEFV innate immunity regulator, pyrin; minus strand). Cytogenetic location: 16p13.3.
Variant type: single nucleotide variant.
Coding change: c.663G>C on transcript NM_000243.3 (MANE Select); coding-DNA position 663, G replaced by C.
Protein change: p.Pro221=; no amino-acid change (proline 221 retained).
Molecular consequence: synonymous variant. On other transcripts: intron variant (1).
Genome position (GRCh38, 1-based): chr16:3,254,405, C>G on the plus strand (G>C on the coding strand, the complement: MEFV is on the minus strand). VCF-style: chr16-3254405-C-G. GRCh37 (hg19) VCF-style: chr16-3304405-C-G.
Other names: p.P221P:CCG>CCC; c.277+1906G>C (NM_001198536.2).
Identifiers: ClinVar variation 97535 (VCV000097535.35), dbSNP rs104895162, ClinGen allele CA280633.

ClinVar aggregate classification (germline): Conflicting classifications of pathogenicity. Review status: criteria provided, conflicting classifications (1 of 4 stars). 7 submissions from 7 submitters: Uncertain significance (1); Benign (1); Likely benign (3). 2 of the submissions do not count toward it. Last evaluated 2026-01-27.

Conditions:
Autoinflammatory syndrome. Identifiers: Orphanet 93665, MedGen C3890737, MONDO:0019751.
MEFV-related disorder. Also called: MEFV-related disorders; MEFV-related condition.
Familial Mediterranean fever (FMF). Also called: POLYSEROSITIS, FAMILIAL PAROXYSMAL; POLYSEROSITIS, RECURRENT; Periodic peritonitis; Benign paroxysmal peritonitis. Identifiers: Orphanet 342, MedGen C0031069, MONDO:0018088, OMIM 249100. Disease mechanism: gain of function.

Allele frequency attached by ClinVar (database versions not stated): TOPMed 0.00005; gnomAD 0.00007.
gnomAD v4.1: 108 of 1,612,860 alleles (0.0067%); highest among the groups gnomAD compares: Middle Eastern, 0.066%; no homozygotes.

Submissions (7):

Labcorp Genetics (formerly Invitae), Labcorp
Classification: Likely benign for Familial Mediterranean fever. Last evaluated: 2026-01-27. Review status: criteria provided, single submitter. Criteria: Invitae Variant Classification Sherloc (09022015). Collection method: clinical testing. Allele origin: germline.

Blueprint Genetics
Classification: Likely benign. Last evaluated: 2024-07-30. Review status: criteria provided, single submitter. Criteria: ACMG Guidelines, 2015. Collection method: clinical testing. Allele origin: germline.

CeGaT Center for Human Genetics Tuebingen
Classification: Likely benign. Last evaluated: 2023-12-01. Review status: criteria provided, single submitter. Criteria: CeGaT Center For Human Genetics Tuebingen Variant Classification Criteria Version 2. Collection method: clinical testing. Allele origin: germline. Affected: yes. Observed: 1 variant allele.
Comment: MEFV: BP4, BP7

Genome Diagnostics Laboratory, The Hospital for Sick Children
Classification: Uncertain significance for Autoinflammatory syndrome. Last evaluated: 2021-08-18. Review status: criteria provided, single submitter. Criteria: ACMG Guidelines, 2015. Collection method: clinical testing. Allele origin: germline. Affected: yes.

GeneDx
Classification: Benign. Last evaluated: 2013-02-15. Review status: criteria provided, single submitter. Criteria: GeneDx Variant Classification (06012015). Collection method: clinical testing. Allele origin: germline. Affected: yes.
Comment: This variant is considered likely benign or benign based on one or more of the following criteria: it is a conservative change, it occurs at a poorly conserved position in the protein, it is predicted to be benign by multiple in silico algorithms, and/or has population frequency not consistent with disease.

PreventionGenetics, part of Exact Sciences
Classification: Likely benign for MEFV-related condition. Last evaluated: 2019-03-29. Review status: no assertion criteria provided. Collection method: clinical testing. Allele origin: germline. Not counted in ClinVar's aggregate classification.
Comment: This variant is classified as likely benign based on ACMG/AMP sequence variant interpretation guidelines (Richards et al. 2015 PMID: 25741868, with internal and published modifications).

Unité médicale des maladies autoinflammatoires, CHRU Montpellier
No classification provided. Condition: Familial Mediterranean fever. Review status: no classification provided. Collection method: not provided. Allele origin: unknown. Not counted in ClinVar's aggregate classification.